The following is an entry in ClinVar:

NM_000218.3(KCNQ1):c.1394-34133G>A

Genes: KCNQ1 (potassium voltage-gated channel subfamily Q member 1; plus strand), KCNQ1OT1 (KCNQ1 opposite strand/antisense transcript 1; minus strand). Cytogenetic location: 11p15.5.
Variant type: single nucleotide variant.
Coding change: c.1394-34133G>A on transcript NM_000218.3 (MANE Select); 34133 bases into the intron before coding-DNA position 1394, G replaced by A.
Molecular consequence: intron variant. On other transcripts: non-coding transcript variant (1).
Genome position (GRCh38, 1-based): chr11:2,627,828, G>A. VCF-style: chr11-2627828-G-A. GRCh37 (hg19) VCF-style: chr11-2649058-G-A.
Other names: c.1124-34133G>A (NM_001406837.1); c.1298-34133G>A (NM_001406836.1); c.854-34133G>A (NM_001406838.1); c.1013-34133G>A (NM_181798.2).
Identifiers: ClinVar variation 3026355 (VCV003026355.22), dbSNP rs181209905, ClinGen allele CA216365395.

ClinVar aggregate classification (germline): Benign (1 of 4 stars; one submission).

Allele frequency attached by ClinVar (database versions not stated): TOPMed 0.00137; gnomAD exomes 0.00017; 1000 Genomes Project 30x 0.00094; 1000 Genomes Project 0.00100; gnomAD 0.00123.
gnomAD v4.1: 235 of 398,472 alleles (0.059%); highest among the groups gnomAD compares: African/African-American, 0.44%; 2 homozygotes.

Submission:

CeGaT Center for Human Genetics Tuebingen
Classification: Benign. Last evaluated: 2023-12-01. Review status: criteria provided, single submitter. Criteria: CeGaT Center For Human Genetics Tuebingen Variant Classification Criteria Version 2. Collection method: clinical testing. Allele origin: germline. Affected: yes. Observed: 1 variant allele.
Comment: KCNQ1OT1: BS1, BS2